The following is an entry in ClinVar:

ClinVar aggregate classification (germline): Uncertain significance. Review status: criteria provided, multiple submitters, no conflicts (2 of 4 stars). 2 submissions from 2 submitters: Uncertain significance (2). Last evaluated 2023-12-22.

Conditions:
Inborn genetic diseases. Identifiers: MedGen C0950123, MeSH D030342.
Charcot-Marie-Tooth disease type 4. Also called: Charcot-Marie-Tooth disease, type IV; Charcot-Marie-Tooth, Type 4. Identifiers: Orphanet 64749, MedGen C4082197, MONDO:0018995.

Allele frequency attached by ClinVar (database versions not stated): gnomAD exomes below 0.00001 and 0.00001; gnomAD 0.00001; TOPMed 0.00001.
gnomAD v4.1: 17 of 1,613,716 alleles (0.0011%); highest among the groups gnomAD compares: Middle Eastern, 0.016%; no homozygotes.

Submissions (2):

Ambry Genetics
Classification: Uncertain significance for Inborn genetic diseases. Last evaluated: 2023-12-22. Review status: criteria provided, single submitter. Criteria: Ambry Variant Classification Scheme 2023. Collection method: clinical testing. Allele origin: germline.

Labcorp Genetics (formerly Invitae), Labcorp
Classification: Uncertain significance for Charcot-Marie-Tooth disease type 4. Last evaluated: 2023-06-30. Review status: criteria provided, single submitter. Criteria: Invitae Variant Classification Sherloc (09022015). Collection method: clinical testing. Allele origin: germline.
Comment: In summary, the available evidence is currently insufficient to determine the role of this variant in disease. Therefore, it has been classified as a Variant of Uncertain Significance. Advanced modeling of protein sequence and biophysical properties (such as structural, functional, and spatial information, amino acid conservation, physicochemical variation, residue mobility, and thermodynamic stability) performed at Invitae indicates that this missense variant is expected to disrupt SBF2 protein function. ClinVar contains an entry for this variant (Variation ID: 647678). This variant has not been reported in the literature in individuals affected with SBF2-related conditions. The frequency data for this variant in the population databases is considered unreliable, as metrics indicate poor data quality at this position in the gnomAD database. This sequence change replaces arginine, which is basic and polar, with histidine, which is basic and polar, at codon 1004 of the SBF2 protein (p.Arg1004His).

NM_030962.4(SBF2):c.3011G>A (p.Arg1004His)

Genes: SBF2 (SET binding factor 2; minus strand), LOC101928008 (uncharacterized LOC101928008; plus strand). Cytogenetic location: 11p15.4.
Variant type: single nucleotide variant.
Coding change: c.3011G>A on transcript NM_030962.4 (MANE Select); coding-DNA position 3011, G replaced by A.
Protein change: p.Arg1004His; replaces arginine 1004 with histidine.
Molecular consequence: missense variant.
Genome position (GRCh38, 1-based): chr11:9,845,664, C>T on the plus strand (G>A on the coding strand, the complement: SBF2 is on the minus strand). VCF-style: chr11-9845664-C-T. GRCh37 (hg19) VCF-style: chr11-9867211-C-T.
Other names: c.3011G>A, p.Arg1004His (NM_001386339.1); c.2882G>A, p.Arg961His (NM_001386342.1); short protein forms R1004H, R961H.
Identifiers: ClinVar variation 647678 (VCV000647678.10), dbSNP rs1157037356, ClinGen allele CA379632977.